The following is an entry in ClinVar:

NM_001042492.3(NF1):c.4725-2A>C

Gene: NF1 (neurofibromin 1; plus strand). Cytogenetic location: 17q11.2.
Variant type: single nucleotide variant.
Coding change: c.4725-2A>C on transcript NM_001042492.3 (MANE Select); the canonical splice acceptor site of the intron before coding-DNA position 4725, A replaced by C.
Molecular consequence: splice acceptor variant.
Genome position (GRCh38, 1-based): chr17:31,265,227, A>C. VCF-style: chr17-31265227-A-C. GRCh37 (hg19) VCF-style: chr17-29592245-A-C.
Other names: c.4662-2A>C (NM_000267.4).
Identifiers: ClinVar variation 1458508 (VCV001458508.7), dbSNP rs1295045178, ClinGen allele CA399001137.

ClinVar aggregate classification (germline): Pathogenic. Review status: criteria provided, multiple submitters, no conflicts (2 of 4 stars). 2 submissions from 2 submitters: Pathogenic (2). Last evaluated 2023-01-13.

Conditions:
Neurofibromatosis, type 1 (NF1). Also called: Neurofibromatosis, type I; VON RECKLINGHAUSEN DISEASE; NEUROFIBROMATOSIS, TYPE I, SOMATIC; Peripheral type neurofibromatosis. Identifiers: Orphanet 636, MedGen C0027831, MONDO:0018975, OMIM 162200. Disease mechanism: loss of function.
Cardiovascular phenotype. Identifiers: MedGen CN230736.
Hereditary cancer-predisposing syndrome. Also called: Hereditary Cancer Syndrome; Hereditary neoplastic syndrome; Tumor predisposition; Neoplastic Syndromes, Hereditary. Identifiers: Orphanet 140162, MedGen C0027672, MeSH D009386, MONDO:0015356.

Submissions (2):

Ambry Genetics
Classification: Pathogenic for Cardiovascular phenotype; Hereditary cancer-predisposing syndrome. Last evaluated: 2023-01-13. Review status: criteria provided, single submitter. Criteria: Ambry Variant Classification Scheme 2023. Collection method: clinical testing. Allele origin: germline.
Comment: The c.4662-2A>C intronic pathogenic mutation results from an A to C substitution two nucleotides upstream from coding exon 35 in the NF1 gene. This alteration was identified in 1 of 565 unrelated French probands with clinical diagnoses or suspicion of NF1 (Sabbagh A et al. Hum Mutat, 2013 Nov;34:1510-8).This nucleotide position is highly conserved in available vertebrate species. In silico splice site analysis predicts that this alteration will weaken the native splice acceptor site and will result in the creation or strengthening of a novel splice acceptor site. This variant is considered to be rare based on population cohorts in the Genome Aggregation Database (gnomAD). Another alteration impacting the same acceptor site (c.4662-2A>G) has been detected in individuals with clinical diagnosis or suspicion of neurofibromatosis type 1 (NF1) (Kang E et al. J Hum Genet, 2020 Jan;65:79-89; Pros E et al. Hum Mutat, 2008 Sep;29:E173-93). In addition to the clinical data presented in the literature, alterations that disrupt the canonical splice site are expected to cause aberrant splicing, resulting in an abnormal protein or a transcript that is subject to nonsense-mediated mRNA decay. As such, this alteration is classified as a disease-causing mutation.

Labcorp Genetics (formerly Invitae), Labcorp
Classification: Pathogenic for Neurofibromatosis, type 1. Last evaluated: 2021-08-01. Review status: criteria provided, single submitter. Criteria: Invitae Variant Classification Sherloc (09022015). Collection method: clinical testing. Allele origin: germline.
Comment: For these reasons, this variant has been classified as Pathogenic. Algorithms developed to predict the effect of sequence changes on RNA splicing suggest that this variant may disrupt the consensus splice site. This sequence change affects an acceptor splice site in intron 34 of the NF1 gene. It is expected to disrupt RNA splicing. Variants that disrupt the donor or acceptor splice site typically lead to a loss of protein function (PMID: 16199547), and loss-of-function variants in NF1 are known to be pathogenic (PMID: 10712197, 23913538). This variant is not present in population databases (ExAC no frequency). Disruption of this splice site has been observed in individuals with clinical features of neurofibromatosis type 1 (PMID: 23913538, 31533651; Invitae).

Literature cited by the submitters: PubMed 16199547 (cited by Labcorp Genetics (formerly Invitae), Labcorp); PubMed 10712197 (cited by Labcorp Genetics (formerly Invitae), Labcorp); PubMed 23913538 (cited by Labcorp Genetics (formerly Invitae), Labcorp); PubMed 31533651 (cited by Labcorp Genetics (formerly Invitae), Labcorp).